The following is an entry in ClinVar:

NM_001276270.2(MBD4):c.629C>A (p.Thr210Asn)

Gene: MBD4 (methyl-CpG binding domain 4, DNA glycosylase; minus strand). Cytogenetic location: 3q21.3.
Variant type: single nucleotide variant.
Coding change: c.629C>A on transcript NM_001276270.2 (MANE Select); coding-DNA position 629, C replaced by A.
Protein change: p.Thr210Asn; replaces threonine 210 with asparagine.
Molecular consequence: missense variant. On other transcripts: intron variant (1).
Genome position (GRCh38, 1-based): chr3:129,437,015, G>T on the plus strand (C>A on the coding strand, the complement: MBD4 is on the minus strand). VCF-style: chr3-129437015-G-T. GRCh37 (hg19) VCF-style: chr3-129155858-G-T.
Other names: c.629C>A, p.Thr210Asn (NM_001276271.2, NM_001276272.2, NM_003925.3); c.247+793C>A (NM_001276273.2); short protein forms T210N.
Identifiers: ClinVar variation 2832220 (VCV002832220.3), dbSNP rs1375736849, ClinGen allele CA354467608.

ClinVar aggregate classification (germline): Uncertain significance (1 of 4 stars; one submission).

Allele frequency attached by ClinVar (database versions not stated): gnomAD 0.00001.
gnomAD v4.1: 1 of 1,614,050 alleles (0.000062%); highest among the groups gnomAD compares: African/African-American, 0.0013%; no homozygotes.

Submission:

Labcorp Genetics (formerly Invitae), Labcorp
Classification: Uncertain significance. Last evaluated: 2025-05-21. Review status: criteria provided, single submitter. Criteria: Invitae Variant Classification Sherloc (09022015). Collection method: clinical testing. Allele origin: germline.
Comment: This sequence change replaces threonine, which is neutral and polar, with asparagine, which is neutral and polar, at codon 210 of the MBD4 protein (p.Thr210Asn). This variant is not present in population databases (gnomAD no frequency). This variant has not been reported in the literature in individuals affected with MBD4-related conditions. ClinVar contains an entry for this variant (Variation ID: 2832220). An algorithm developed to predict the effect of missense changes on protein structure and function outputs the following: PolyPhen-2: "Benign". The asparagine amino acid residue is found in multiple mammalian species, which suggests that this missense change does not adversely affect protein function. In summary, the available evidence is currently insufficient to determine the role of this variant in disease. Therefore, it has been classified as a Variant of Uncertain Significance.